The following is an entry in ClinVar:

ClinVar aggregate classification (germline): Benign (1 of 4 stars; one submission).

gnomAD v4.1: 16,463 of 1,349,110 alleles (1.2%); highest among the groups gnomAD compares: Non-Finnish European, 1.4%; 163 homozygotes.

Submissions 1 to 34 of 59:

CeGaT Center for Human Genetics Tuebingen
Classification: Benign. Last evaluated: 2026-08-01. Review status: criteria provided, single submitter. Criteria: CeGaT Center For Human Genetics Tuebingen Variant Classification Criteria Version 2. Collection method: clinical testing. Allele origin: germline. Affected: yes. Observed: 45 variant alleles.
Comment: IMPA1: BP4, BS1, BS2

Dr. Peter K. Rogan Lab, Western University
No classification provided (evidence only). Condition: Clear cell carcinoma of kidney. Review status: no classification provided. Collection method: in vitro. Allele origin: not applicable. Functional consequence: skipped exon, retained intron. Not counted in ClinVar's aggregate classification.

Dr. Peter K. Rogan Lab, Western University
No classification provided (evidence only). Condition: Clear cell carcinoma of kidney. Review status: no classification provided. Collection method: in vitro. Allele origin: not applicable. Functional consequence: retained intron. Not counted in ClinVar's aggregate classification.

Dr. Peter K. Rogan Lab, Western University
No classification provided (evidence only). Condition: Clear cell carcinoma of kidney. Review status: no classification provided. Collection method: in vitro. Allele origin: not applicable. Functional consequence: retained intron. Not counted in ClinVar's aggregate classification.

Dr. Peter K. Rogan Lab, Western University
No classification provided (evidence only). Condition: Clear cell carcinoma of kidney. Review status: no classification provided. Collection method: in vitro. Allele origin: not applicable. Functional consequence: retained intron. Not counted in ClinVar's aggregate classification.

Dr. Peter K. Rogan Lab, Western University
No classification provided (evidence only). Condition: Lung cancer. Review status: no classification provided. Collection method: in vitro. Allele origin: not applicable. Functional consequence: retained intron. Not counted in ClinVar's aggregate classification.

Dr. Peter K. Rogan Lab, Western University
No classification provided (evidence only). Condition: Lung cancer. Review status: no classification provided. Collection method: in vitro. Allele origin: not applicable. Functional consequence: retained intron. Not counted in ClinVar's aggregate classification.

Dr. Peter K. Rogan Lab, Western University
No classification provided (evidence only). Condition: Lung cancer. Review status: no classification provided. Collection method: in vitro. Allele origin: not applicable. Functional consequence: retained intron. Not counted in ClinVar's aggregate classification.

Dr. Peter K. Rogan Lab, Western University
No classification provided (evidence only). Condition: Melanoma. Review status: no classification provided. Collection method: in vitro. Allele origin: not applicable. Functional consequence: skipped exon, retained intron. Not counted in ClinVar's aggregate classification.

Dr. Peter K. Rogan Lab, Western University
No classification provided (evidence only). Condition: Melanoma. Review status: no classification provided. Collection method: in vitro. Allele origin: not applicable. Functional consequence: retained intron. Not counted in ClinVar's aggregate classification.

Dr. Peter K. Rogan Lab, Western University
No classification provided (evidence only). Condition: Melanoma. Review status: no classification provided. Collection method: in vitro. Allele origin: not applicable. Functional consequence: retained intron. Not counted in ClinVar's aggregate classification.

Dr. Peter K. Rogan Lab, Western University
No classification provided (evidence only). Condition: Melanoma. Review status: no classification provided. Collection method: in vitro. Allele origin: not applicable. Functional consequence: retained intron. Not counted in ClinVar's aggregate classification.

Dr. Peter K. Rogan Lab, Western University
No classification provided (evidence only). Condition: Melanoma. Review status: no classification provided. Collection method: in vitro. Allele origin: not applicable. Functional consequence: retained intron. Not counted in ClinVar's aggregate classification.

Dr. Peter K. Rogan Lab, Western University
No classification provided (evidence only). Condition: Melanoma. Review status: no classification provided. Collection method: in vitro. Allele origin: not applicable. Functional consequence: retained intron. Not counted in ClinVar's aggregate classification.

Dr. Peter K. Rogan Lab, Western University
No classification provided (evidence only). Condition: Melanoma. Review status: no classification provided. Collection method: in vitro. Allele origin: not applicable. Functional consequence: retained intron. Not counted in ClinVar's aggregate classification.

Dr. Peter K. Rogan Lab, Western University
No classification provided (evidence only). Condition: Melanoma. Review status: no classification provided. Collection method: in vitro. Allele origin: not applicable. Functional consequence: retained intron. Not counted in ClinVar's aggregate classification.

Dr. Peter K. Rogan Lab, Western University
No classification provided (evidence only). Condition: Melanoma. Review status: no classification provided. Collection method: in vitro. Allele origin: not applicable. Functional consequence: retained intron. Not counted in ClinVar's aggregate classification.

Dr. Peter K. Rogan Lab, Western University
No classification provided (evidence only). Condition: Melanoma. Review status: no classification provided. Collection method: in vitro. Allele origin: not applicable. Functional consequence: retained intron. Not counted in ClinVar's aggregate classification.

Dr. Peter K. Rogan Lab, Western University
No classification provided (evidence only). Condition: Acute myeloid leukemia. Review status: no classification provided. Collection method: in vitro. Allele origin: not applicable. Functional consequence: skipped exon. Not counted in ClinVar's aggregate classification.

Dr. Peter K. Rogan Lab, Western University
No classification provided (evidence only). Condition: Acute myeloid leukemia. Review status: no classification provided. Collection method: in vitro. Allele origin: not applicable. Functional consequence: retained intron. Not counted in ClinVar's aggregate classification.

Dr. Peter K. Rogan Lab, Western University
No classification provided (evidence only). Condition: Acute myeloid leukemia. Review status: no classification provided. Collection method: in vitro. Allele origin: not applicable. Functional consequence: retained intron. Not counted in ClinVar's aggregate classification.

Dr. Peter K. Rogan Lab, Western University
No classification provided (evidence only). Condition: Colorectal cancer. Review status: no classification provided. Collection method: in vitro. Allele origin: not applicable. Functional consequence: retained intron. Not counted in ClinVar's aggregate classification.

Dr. Peter K. Rogan Lab, Western University
No classification provided (evidence only). Condition: Thyroid cancer, nonmedullary, 1. Review status: no classification provided. Collection method: in vitro. Allele origin: not applicable. Functional consequence: retained intron. Not counted in ClinVar's aggregate classification.

Dr. Peter K. Rogan Lab, Western University
No classification provided (evidence only). Condition: Thyroid cancer, nonmedullary, 1. Review status: no classification provided. Collection method: in vitro. Allele origin: not applicable. Functional consequence: retained intron. Not counted in ClinVar's aggregate classification.

Dr. Peter K. Rogan Lab, Western University
No classification provided (evidence only). Condition: Thyroid cancer, nonmedullary, 1. Review status: no classification provided. Collection method: in vitro. Allele origin: not applicable. Functional consequence: retained intron. Not counted in ClinVar's aggregate classification.

Dr. Peter K. Rogan Lab, Western University
No classification provided (evidence only). Condition: Thyroid cancer, nonmedullary, 1. Review status: no classification provided. Collection method: in vitro. Allele origin: not applicable. Functional consequence: retained intron. Not counted in ClinVar's aggregate classification.

Dr. Peter K. Rogan Lab, Western University
No classification provided (evidence only). Condition: Thyroid cancer, nonmedullary, 1. Review status: no classification provided. Collection method: in vitro. Allele origin: not applicable. Functional consequence: skipped exon, retained intron. Not counted in ClinVar's aggregate classification.

Dr. Peter K. Rogan Lab, Western University
No classification provided (evidence only). Condition: Uterine corpus endometrial carcinoma. Review status: no classification provided. Collection method: in vitro. Allele origin: not applicable. Functional consequence: skipped exon. Not counted in ClinVar's aggregate classification.

Dr. Peter K. Rogan Lab, Western University
No classification provided (evidence only). Condition: Cervical cancer. Review status: no classification provided. Collection method: in vitro. Allele origin: not applicable. Functional consequence: skipped exon, retained intron. Not counted in ClinVar's aggregate classification.

Dr. Peter K. Rogan Lab, Western University
No classification provided (evidence only). Condition: Sarcoma. Review status: no classification provided. Collection method: in vitro. Allele origin: not applicable. Functional consequence: retained intron. Not counted in ClinVar's aggregate classification.

Dr. Peter K. Rogan Lab, Western University
No classification provided (evidence only). Condition: Sarcoma. Review status: no classification provided. Collection method: in vitro. Allele origin: not applicable. Functional consequence: retained intron. Not counted in ClinVar's aggregate classification.

Dr. Peter K. Rogan Lab, Western University
No classification provided (evidence only). Condition: Sarcoma. Review status: no classification provided. Collection method: in vitro. Allele origin: not applicable. Functional consequence: retained intron. Not counted in ClinVar's aggregate classification.

Dr. Peter K. Rogan Lab, Western University
No classification provided (evidence only). Condition: Sarcoma. Review status: no classification provided. Collection method: in vitro. Allele origin: not applicable. Functional consequence: retained intron. Not counted in ClinVar's aggregate classification.

Dr. Peter K. Rogan Lab, Western University
No classification provided (evidence only). Condition: Malignant lymphoma, large B-cell, diffuse. Review status: no classification provided. Collection method: in vitro. Allele origin: not applicable. Functional consequence: retained intron. Not counted in ClinVar's aggregate classification.

NM_005536.4(IMPA1):c.325A>G (p.Ile109Val)

Gene: IMPA1 (inositol monophosphatase 1; minus strand). Cytogenetic location: 8q21.13.
Variant type: single nucleotide variant.
Coding change: c.325A>G on transcript NM_005536.4 (MANE Select); coding-DNA position 325, A replaced by G.
Protein change: p.Ile109Val; replaces isoleucine 109 with valine.
Molecular consequence: missense variant.
Genome position (GRCh38, 1-based): chr8:81,676,257, T>C on the plus strand (A>G on the coding strand, the complement: IMPA1 is on the minus strand). VCF-style: chr8-81676257-T-C. GRCh37 (hg19) VCF-style: chr8-82588492-T-C.
Other names: NC_000008.10:g.82588492T>C; c.502A>G, p.Ile168Val (NM_001144878.2); c.325A>G, p.Ile109Val (NM_001144879.2); short protein forms I109V, I168V.
Identifiers: ClinVar variation 3341538 (VCV003341538.17).